The following is an entry in ClinVar:

NM_000350.3(ABCA4):c.6499G>A (p.Val2167Ile)

Gene: ABCA4 (ATP binding cassette subfamily A member 4; minus strand). Cytogenetic location: 1p22.1.
Variant type: single nucleotide variant.
Coding change: c.6499G>A on transcript NM_000350.3 (MANE Select); coding-DNA position 6499, G replaced by A.
Protein change: p.Val2167Ile; replaces valine 2167 with isoleucine.
Molecular consequence: missense variant.
Genome position (GRCh38, 1-based): chr1:93,998,091, C>T on the plus strand (G>A on the coding strand, the complement: ABCA4 is on the minus strand). VCF-style: chr1-93998091-C-T. GRCh37 (hg19) VCF-style: chr1-94463647-C-T.
Other names: c.6277G>A, p.Val2093Ile (NM_001425324.1); c.6499G>A (NM_000350.2); short protein forms V2167I, V2093I.
Identifiers: ClinVar variation 1492101 (VCV001492101.10), dbSNP rs761087853, ClinGen allele CA956852.

ClinVar aggregate classification (germline): Uncertain significance. Review status: criteria provided, multiple submitters, no conflicts (2 of 4 stars). 4 submissions from 4 submitters: Uncertain significance (3). 1 of the submissions does not count toward it. Last evaluated 2025-04-01.

Conditions:
Retinal dystrophy. Also called: Inherited retinal dystrophy. Identifiers: Orphanet 71862, MedGen C0854723, MeSH D058499, MONDO:0019118, HP:0000556.
Inborn genetic diseases. Identifiers: MedGen C0950123, MeSH D030342.

Allele frequency attached by ClinVar (database versions not stated): ExAC 0.00001; gnomAD exomes 0.00001.
gnomAD v4.1: 16 of 1,614,166 alleles (0.00099%); highest among the groups gnomAD compares: African/African-American, 0.0027%; no homozygotes.

Submissions (4):

Ambry Genetics
Classification: Uncertain significance for Inborn genetic diseases. Last evaluated: 2025-04-01. Review status: criteria provided, single submitter. Criteria: Ambry Variant Classification Scheme 2023. Collection method: clinical testing. Allele origin: germline.

Labcorp Genetics (formerly Invitae), Labcorp
Classification: Uncertain significance. Last evaluated: 2024-11-25. Review status: criteria provided, single submitter. Criteria: Invitae Variant Classification Sherloc (09022015). Collection method: clinical testing. Allele origin: germline.
Comment: This sequence change replaces valine, which is neutral and non-polar, with isoleucine, which is neutral and non-polar, at codon 2167 of the ABCA4 protein (p.Val2167Ile). This variant is present in population databases (rs761087853, gnomAD 0.003%). This variant has not been reported in the literature in individuals affected with ABCA4-related conditions. ClinVar contains an entry for this variant (Variation ID: 1492101). Invitae Evidence Modeling of protein sequence and biophysical properties (such as structural, functional, and spatial information, amino acid conservation, physicochemical variation, residue mobility, and thermodynamic stability) has been performed for this missense variant. However, the output from this modeling did not meet the statistical confidence thresholds required to predict the impact of this variant on ABCA4 protein function. In summary, the available evidence is currently insufficient to determine the role of this variant in disease. Therefore, it has been classified as a Variant of Uncertain Significance.

Blueprint Genetics
Classification: Uncertain significance. Last evaluated: 2023-11-11. Review status: criteria provided, single submitter. Criteria: ACMG Guidelines, 2015. Collection method: clinical testing. Allele origin: germline.

Institute of Human Genetics, Univ. Regensburg, Univ. Regensburg
Classification: Uncertain significance for Retinal dystrophy. Last evaluated: 2020-01-01. Review status: no assertion criteria provided. Criteria: ACMG Guidelines, 2015. Collection method: clinical testing. Allele origin: germline. Affected: yes. Not counted in ClinVar's aggregate classification.